The following is an entry in ClinVar:

NM_001378964.1(CDON):c.1057C>T (p.His353Tyr)

Gene: CDON (cell adhesion associated, oncogene regulated; minus strand). Cytogenetic location: 11q24.2.
Variant type: single nucleotide variant.
Coding change: c.1057C>T on transcript NM_001378964.1 (MANE Select); coding-DNA position 1057, C replaced by T.
Protein change: p.His353Tyr; replaces histidine 353 with tyrosine.
Molecular consequence: missense variant.
Genome position (GRCh38, 1-based): chr11:126,015,382, G>A on the plus strand (C>T on the coding strand, the complement: CDON is on the minus strand). VCF-style: chr11-126015382-G-A. GRCh37 (hg19) VCF-style: chr11-125885277-G-A.
Other names: c.1057C>T, p.His353Tyr (NM_001243597.3, NM_016952.6); short protein forms H353Y.
Identifiers: ClinVar variation 813640 (VCV000813640.5), dbSNP rs772141487, ClinGen allele CA6352170.

ClinVar aggregate classification (germline): Likely benign. Review status: criteria provided, single submitter (1 of 4 stars). 2 submissions from 2 submitters: Likely benign (1). 1 of the submissions does not count toward it. Last evaluated 2018-01-12.

Conditions:
Microcephaly. Also called: Microcephaly (disease). Identifiers: MedGen C4551563, MONDO:0001149, HP:0000252.
Holoprosencephaly 11 (HPE11). Identifiers: Orphanet 2162, MedGen C3280215, MONDO:0013642, OMIM 614226.

Allele frequency attached by ClinVar (database versions not stated): ExAC 0.00002; gnomAD exomes 0.00002 and 0.00005; gnomAD 0.00001.
gnomAD v4.1: 38 of 1,614,050 alleles (0.0024%); highest among the groups gnomAD compares: East Asian, 0.031%; no homozygotes.

Submissions (2):

Illumina Laboratory Services, Illumina
Classification: Likely benign for Holoprosencephaly 11. Last evaluated: 2018-01-12. Review status: criteria provided, single submitter. Criteria: ICSL Variant Classification Criteria 13 December 2019. Collection method: clinical testing. Allele origin: germline.
Comment: This variant was observed in the ICSL laboratory as part of a predisposition screen in an ostensibly healthy population. It had not been previously curated by ICSL or reported in the Human Gene Mutation Database (HGMD: prior to June 1st, 2018), and was therefore a candidate for classification through an automated scoring system. Utilizing variant allele frequency, disease prevalence and penetrance estimates, and inheritance mode, an automated score was calculated to assess if this variant is too frequent to cause the disease. Based on the score and internal cut-off values, a variant classified as likely benign is not then subjected to further curation. The score for this variant resulted in a classification of likely benign for this disease.

Department of Pediatrics, Samsung Medical Center, Samsung Medical Center
Classification: Uncertain significance for Microcephaly. Review status: no assertion criteria provided. Criteria: ACMG Guidelines, 2015. Collection method: research. Allele origin: germline. Affected: yes. Not counted in ClinVar's aggregate classification.